The following is an entry in ClinVar:

NM_000038.6(APC):c.-19+8468T>G

Gene: APC (APC regulator of WNT signaling pathway; plus strand). Cytogenetic location: 5q22.2.
Variant type: single nucleotide variant.
Coding change: c.-19+8468T>G on transcript NM_000038.6 (MANE Select); 8468 bases into the intron after 19 bases upstream of the start codon, T replaced by G.
Molecular consequence: intron variant.
Genome position (GRCh38, 1-based): chr5:112,746,393, T>G. VCF-style: chr5-112746393-T-G. GRCh37 (hg19) VCF-style: chr5-112082090-T-G.
Other names: c.-18-8480T>G (NM_001354895.2); c.166-19933T>G (NM_001354897.2, NM_001354902.2, NM_001127511.3); c.-19+7933T>G (NM_001127510.3); c.60+7933T>G (NM_001354898.2, NM_001354904.2); c.-1054+8468T>G (NM_001354906.2); c.-19+8468T>G (NM_001354896.2, NM_001354903.2, NM_001354899.2); c.-43+8468T>G (NM_001354900.2, NM_001354901.2, NM_001354905.2).
Identifiers: ClinVar variation 82781 (VCV000082781.2), dbSNP rs75068913, ClinGen allele CA007100.

ClinVar aggregate classification (germline): other (0 of 4 stars; one submission).

Conditions:
Familial colorectal cancer. Identifiers: MedGen CN280943, MONDO:0023113. Disease mechanism: loss of function.

Submission:

Systems Biology Platform Zhejiang California International NanoSystems Institute
Classification: other for Familial colorectal cancer. Review status: no assertion criteria provided. Collection method: not provided. Allele origin: unknown.
ClinVar note: Converted during submission from cancer to other.